The following is an entry in ClinVar:

ClinVar aggregate classification (germline): Conflicting classifications of pathogenicity. Review status: criteria provided, conflicting classifications (1 of 4 stars). 3 submissions from 3 submitters: Uncertain significance (2); Likely benign (1). Last evaluated 2024-10-30.

Conditions:
Dystonia 12 (DYT12). Also called: Rapid-Onset Dystonia-Parkinsonism (RDP); DYT-ATP1A3. Identifiers: Orphanet 71517, MedGen C1868681, MONDO:0007496, OMIM 128235.

Allele frequency attached by ClinVar (database versions not stated): ExAC 0.00001; gnomAD exomes 0.00001 and 0.00004; gnomAD 0.00002; TOPMed 0.00002.
gnomAD v4.1: 65 of 1,614,098 alleles (0.004%); highest among the groups gnomAD compares: Middle Eastern, 0.049%; no homozygotes.

Submissions (3):

Labcorp Genetics (formerly Invitae), Labcorp
Classification: Uncertain significance for Dystonia 12. Last evaluated: 2024-10-30. Review status: criteria provided, single submitter. Criteria: Invitae Variant Classification Sherloc (09022015). Collection method: clinical testing. Allele origin: germline.
Comment: This sequence change falls in intron 17 of the ATP1A3 gene. It does not directly change the encoded amino acid sequence of the ATP1A3 protein. It affects a nucleotide within the consensus splice site. This variant is present in population databases (rs782778060, gnomAD 0.004%). This variant has been observed in individual(s) with clinical features of ATP1A3-related conditions (PMID: 36703223). ClinVar contains an entry for this variant (Variation ID: 569519). Variants that disrupt the consensus splice site are a relatively common cause of aberrant splicing (PMID: 17576681, 9536098). Algorithms developed to predict the effect of sequence changes on RNA splicing suggest that this variant is not likely to affect RNA splicing. In summary, the available evidence is currently insufficient to determine the role of this variant in disease. Therefore, it has been classified as a Variant of Uncertain Significance.

Blueprint Genetics
Classification: Likely benign. Last evaluated: 2023-09-21. Review status: criteria provided, single submitter. Criteria: ACMG Guidelines, 2015. Collection method: clinical testing. Allele origin: germline.

Dubai Health Genomic Medicine Center, Dubai Health
Classification: Uncertain significance. Last evaluated: 2022-12-17. Review status: criteria provided, single submitter. Criteria: ACMG Guidelines, 2015. Collection method: clinical testing. Allele origin: germline. Affected: yes.

Literature cited by the submitters: PubMed 36703223 (cited by Labcorp Genetics (formerly Invitae), Labcorp); PubMed 17576681 (cited by Labcorp Genetics (formerly Invitae), Labcorp); PubMed 9536098 (cited by Labcorp Genetics (formerly Invitae), Labcorp).

NM_152296.5(ATP1A3):c.2418+3G>A

Gene: ATP1A3 (ATPase Na+/K+ transporting subunit alpha 3; minus strand). Cytogenetic location: 19q13.2.
Variant type: single nucleotide variant.
Coding change: c.2418+3G>A on transcript NM_152296.5 (MANE Select); 3 bases into the intron after coding-DNA position 2418, G replaced by A.
Molecular consequence: intron variant.
Genome position (GRCh38, 1-based): chr19:41,970,385, C>T on the plus strand (G>A on the coding strand, the complement: ATP1A3 is on the minus strand). VCF-style: chr19-41970385-C-T. GRCh37 (hg19) VCF-style: chr19-42474537-C-T.
Other names: c.2457+3G>A (NM_001256214.2); c.2451+3G>A (NM_001256213.2).
Identifiers: ClinVar variation 569519 (VCV000569519.10), dbSNP rs782778060, ClinGen allele CA9467408.
Genomic context (GRCh38, chr19:41,970,385, plus strand): 5'-GGGTGAGCCGGAGAGGGGAGGACTCCACCCTCCTGGGCCCCAAGGGTGGCTGCCAGGGCT[C>T]ACCATGTCAGTGCCCAGATCGATGCAGAGGATGGTGATGGTGCCCAGGGGCAGCGGGATG-3'